The following is an entry in ClinVar:

ClinVar aggregate classification (germline): Uncertain significance. Review status: criteria provided, multiple submitters, no conflicts (2 of 4 stars). 2 submissions from 2 submitters: Uncertain significance (2). Last evaluated 2025-01-08.

Conditions:
Charcot-Marie-Tooth disease type 4. Also called: Charcot-Marie-Tooth, Type 4; Charcot-Marie-Tooth disease, type IV. Identifiers: Orphanet 64749, MedGen C4082197, MONDO:0018995.

Allele frequency attached by ClinVar (database versions not stated): ExAC 0.00001; gnomAD exomes 0.00001; TOPMed 0.00001.
gnomAD v4.1: 19 of 1,614,028 alleles (0.0012%); highest among the groups gnomAD compares: Non-Finnish European, 0.0014%; no homozygotes.

Submissions (2):

GeneDx
Classification: Uncertain significance. Last evaluated: 2025-01-08. Review status: criteria provided, single submitter. Criteria: GeneDx Variant Classification Process June 2021. Collection method: clinical testing. Allele origin: germline. Affected: yes.
Comment: In silico analysis supports that this missense variant has a deleterious effect on protein structure/function; Has not been previously published as pathogenic or benign to our knowledge

Labcorp Genetics (formerly Invitae), Labcorp
Classification: Uncertain significance for Charcot-Marie-Tooth disease type 4. Last evaluated: 2020-11-24. Review status: criteria provided, single submitter. Criteria: Invitae Variant Classification Sherloc (09022015). Collection method: clinical testing. Allele origin: germline.
Comment: In summary, the available evidence is currently insufficient to determine the role of this variant in disease. Therefore, it has been classified as a Variant of Uncertain Significance. Algorithms developed to predict the effect of missense changes on protein structure and function are either unavailable or do not agree on the potential impact of this missense change (SIFT: "Deleterious"; PolyPhen-2: "Benign"; Align-GVGD: "Class C0"). This variant has not been reported in the literature in individuals with SBF2-related conditions. This variant is present in population databases (rs538390886, ExAC 0.001%). This sequence change replaces arginine with glutamine at codon 487 of the SBF2 protein (p.Arg487Gln). The arginine residue is highly conserved and there is a small physicochemical difference between arginine and glutamine.

NM_030962.4(SBF2):c.1460G>A (p.Arg487Gln)

Gene: SBF2 (SET binding factor 2; minus strand). Cytogenetic location: 11p15.4.
Variant type: single nucleotide variant.
Coding change: c.1460G>A on transcript NM_030962.4 (MANE Select); coding-DNA position 1460, G replaced by A.
Protein change: p.Arg487Gln; replaces arginine 487 with glutamine.
Molecular consequence: missense variant.
Genome position (GRCh38, 1-based): chr11:9,968,481, C>T on the plus strand (G>A on the coding strand, the complement: SBF2 is on the minus strand). VCF-style: chr11-9968481-C-T. GRCh37 (hg19) VCF-style: chr11-9990028-C-T.
Other names: c.1460G>A, p.Arg487Gln (NM_001386339.1); c.1331G>A, p.Arg444Gln (NM_001386342.1); c.1460G>A (NM_030962.3); short protein forms R444Q, R487Q.
Identifiers: ClinVar variation 1351380 (VCV001351380.7), dbSNP rs538390886, ClinGen allele CA5881820.